The following is an entry in ClinVar:

ClinVar aggregate classification (germline): Uncertain significance (1 of 4 stars; one submission).

Conditions:
Noonan syndrome 9 (NS9). Identifiers: Orphanet 648, MedGen C4225282, MONDO:0014691, OMIM 616559.

Submission:

Neuberg Centre For Genomic Medicine, NCGM
Classification: Uncertain significance for Noonan syndrome 9. Review status: criteria provided, single submitter. Criteria: ACMG Guidelines, 2015. Collection method: clinical testing. Allele origin: germline. Inheritance: Autosomal dominant inheritance. Affected: yes.
Comment: The missense variant c.3542C>T (p.Pro1181Leu) in the SOS2 gene has not been reported previously as a pathogenic variant nor as a benign variant, to our knowledge. This variant is absent in the gnomAD Exomes. The amino acid Pro at position 1181 is changed to a Leu changing protein sequence and it might alter its composition and physico-chemical properties. Computational evidence (Polyphen, SIFT and MutationTaster) predicts conflicting evidence on protein structure and function for this variant. The amino acid change p.Pro1181Leu in SOS2 is predicted as conserved by GERP++ and PhyloP across 100 vertebrates. For these reasons, this variant has been classified as Uncertain Significance.

NM_006939.4(SOS2):c.3542C>T (p.Pro1181Leu)

Gene: SOS2 (SOS Ras/Rho guanine nucleotide exchange factor 2; minus strand). Cytogenetic location: 14q21.3.
Variant type: single nucleotide variant.
Coding change: c.3542C>T on transcript NM_006939.4 (MANE Select); coding-DNA position 3542, C replaced by T.
Protein change: p.Pro1181Leu; replaces proline 1181 with leucine.
Molecular consequence: missense variant.
Genome position (GRCh38, 1-based): chr14:50,118,801, G>A on the plus strand (C>T on the coding strand, the complement: SOS2 is on the minus strand). VCF-style: chr14-50118801-G-A. GRCh37 (hg19) VCF-style: chr14-50585519-G-A.
Other names: c.3443C>T, p.Pro1148Leu (NM_001411020.1); short protein forms P1148L, P1181L.
Identifiers: ClinVar variation 3377759 (VCV003377759.1).
Genomic context (GRCh38, chr14:50,118,801, plus strand): 5'-TGCAGAGGCCCATCAAATGCACCAGTAGGAACAGGAACTCTGGGTTTTACCTTTGGAGGA[G>A]GAGGCTGTCTCGGTGGAATAGCAGGAGGATCATCATCAGATTTCATATTTCCCTCAAAAA-3'
Protein context (NP_008870.2, residues 1171-1191): DPPAIPPRQP[Pro1181Leu]PPKVKPRVPV